The following is an entry in ClinVar:

NM_002230.4(JUP):c.509C>T (p.Ser170Leu)

Gene: JUP (junction plakoglobin; minus strand). Cytogenetic location: 17q21.2.
Variant type: single nucleotide variant.
Coding change: c.509C>T on transcript NM_002230.4 (MANE Select); coding-DNA position 509, C replaced by T.
Protein change: p.Ser170Leu; replaces serine 170 with leucine.
Molecular consequence: missense variant.
Genome position (GRCh38, 1-based): chr17:41,769,167, G>A on the plus strand (C>T on the coding strand, the complement: JUP is on the minus strand). VCF-style: chr17-41769167-G-A. GRCh37 (hg19) VCF-style: chr17-39925419-G-A.
Other names: p.S170L:TCG>TTG; c.509C>T, p.Ser170Leu (NM_001352773.2, NM_001352774.2, NM_001352775.2 and 3 more transcripts); short protein forms S170L.
Identifiers: ClinVar variation 201812 (VCV000201812.24), dbSNP rs782284038, ClinGen allele CA308466.

ClinVar aggregate classification (germline): Conflicting classifications of pathogenicity. Review status: criteria provided, conflicting classifications (1 of 4 stars). 7 submissions from 6 submitters: Uncertain significance (6); Likely benign (1). Last evaluated 2026-01-21.

Conditions:
Cardiovascular phenotype. Identifiers: MedGen CN230736.
JUP-related disorder. Also called: JUP-related condition.
Arrhythmogenic right ventricular dysplasia 12. Also called: ARRHYTHMOGENIC RIGHT VENTRICULAR DYSPLASIA, FAMILIAL, 12. Identifiers: MedGen C1969081, MONDO:0012684, OMIM 611528.
Naxos disease (NXD). Also called: KERATOSIS PALMOPLANTARIS WITH ARRHYTHMOGENIC CARDIOMYOPATHY; MAL DE NAXOS; PALMOPLANTAR KERATODERMA WITH ARRHYTHMOGENIC RIGHT VENTRICULAR CARDIOMYOPATHY AND WOOLLY HAIR; WOOLLY HAIR, PALMOPLANTAR KERATODERMA, AND CARDIAC ABNORMALITIES; CARDIOMYOPATHY, ARRHYTHMOGENIC RIGHT VENTRICULAR, WITH SKIN, HAIR, AND NAIL ABNORMALITIES. Identifiers: Orphanet 34217, MedGen C1832600, MONDO:0011017, OMIM 601214.

Allele frequency attached by ClinVar (database versions not stated): ExAC 0.00003; gnomAD 0.00003; gnomAD exomes 0.00005; TOPMed 0.00007.

Submissions (7):

Labcorp Genetics (formerly Invitae), Labcorp
Classification: Uncertain significance for Arrhythmogenic right ventricular dysplasia 12; Naxos disease. Last evaluated: 2026-01-21. Review status: criteria provided, single submitter. Criteria: Invitae Variant Classification Sherloc (09022015). Collection method: clinical testing. Allele origin: germline.
Comment: This sequence change replaces serine, which is neutral and polar, with leucine, which is neutral and non-polar, at codon 170 of the JUP protein (p.Ser170Leu). This variant is present in population databases (rs794729034, gnomAD 0.006%). This missense change has been observed in individual(s) with dilated cardiomyopathy (PMID: 31983221). ClinVar contains an entry for this variant (Variation ID: 201812). An algorithm developed to predict the effect of missense changes on protein structure and function (PolyPhen-2) suggests that this variant is likely to be disruptive. In summary, the available evidence is currently insufficient to determine the role of this variant in disease. Therefore, it has been classified as a Variant of Uncertain Significance.

Women's Health and Genetics/Laboratory Corporation of America, LabCorp
Classification: Uncertain significance. Last evaluated: 2025-01-13. Review status: criteria provided, single submitter. Criteria: LabCorp Variant Classification Summary - May 2015. Collection method: clinical testing. Allele origin: germline.
Comment: Variant summary: JUP c.509C>T (p.Ser170Leu) results in a non-conservative amino acid change in the encoded protein sequence. Four of five in-silico tools predict a damaging effect of the variant on protein function. The variant allele was found at a frequency of 4.6e-05 in 241372 control chromosomes (gnomAD v2.1). Variant occurrences in several carriers suggest that this variant is likely not associated with a high penetrance, severe, early onset disease phenotype in heterozygous state, however association with an autosomal recessive phenotype (e.g. Naxos Disease), cannot be excluded based on these data. The variant, c.509C>T, has been reported in the literature in the presumed heterozygous state in at least 1 individual affected with dilated cardiomyopathy (example, Mazzarotto_2020), however the full genotype/phenotype information was not available. These report(s) do not provide unequivocal conclusions about association of the variant with JUP-related conditions. To our knowledge, no experimental evidence demonstrating an impact on protein function has been reported. The following publication has been ascertained in the context of this evaluation (PMID: 31983221). ClinVar contains an entry for this variant (Variation ID: 201812). Based on the evidence outlined above, the variant was classified as uncertain significance.

PreventionGenetics, part of Exact Sciences
Classification: Uncertain significance for JUP-related condition. Last evaluated: 2023-10-06. Review status: criteria provided, single submitter. Criteria: ACMG Guidelines, 2015. Collection method: clinical testing. Allele origin: germline.
Comment: The JUP c.509C>T variant is predicted to result in the amino acid substitution p.Ser170Leu. This variant was reported in an individual with dilated cardiomyopathy (Table S3, Mazzarotto et al. 2020. PubMed ID: 31983221). This variant is reported in 0.0063% of alleles in individuals of European (Non-Finnish) descent in gnomAD. At this time, the clinical significance of this variant is uncertain due to the absence of conclusive functional and genetic evidence.

Ambry Genetics
Classification: Likely benign for Cardiovascular phenotype. Last evaluated: 2023-02-08. Review status: criteria provided, single submitter. Criteria: Ambry Variant Classification Scheme 2023. Collection method: clinical testing. Allele origin: germline.

GeneDx
Classification: Uncertain significance. Last evaluated: 2018-08-23. Review status: criteria provided, single submitter. Criteria: GeneDx Variant Classification (06012015). Collection method: clinical testing. Allele origin: germline. Affected: yes.
Comment: A variant of uncertain significance has been identified in the JUP gene. The S170L variant has not been published as pathogenic or been reported as benign to our knowledge. This variant is also observed at a global allele frequency of 11/267372 (0.004%) alleles in large population cohorts, including 7/124788 (0.006%) alleles from individuals of European (non-Finnish) ancestry (Lek et al., 2016). The S170L variant is a non-conservative amino acid substitution, which is likely to impact secondary protein structure as these residues differ in polarity, charge, size and/or other properties. In-silico analyses, including protein predictors and evolutionary conservation, support a deleterious effect.

Illumina Laboratory Services, Illumina
Classification: Uncertain significance for Arrhythmogenic right ventricular dysplasia 12. Last evaluated: 2018-01-13. Review status: criteria provided, single submitter. Criteria: ICSL Variant Classification Criteria 13 December 2019. Collection method: clinical testing. Allele origin: germline.

Illumina Laboratory Services, Illumina
Classification: Uncertain significance for Naxos disease. Last evaluated: 2018-01-13. Review status: criteria provided, single submitter. Criteria: ICSL Variant Classification Criteria 13 December 2019. Collection method: clinical testing. Allele origin: germline.

Literature cited by the submitters: PubMed 31983221 (cited by 3 submitters).